The following is an entry in ClinVar:

ClinVar aggregate classification (germline): Uncertain significance (1 of 4 stars; one submission).

Conditions:
Saldino-Mainzer syndrome (SRTD9). Also called: CONORENAL SYNDROME; SHORT-RIB THORACIC DYSPLASIA 9 WITHOUT POLYDACTYLY; short-rib thoracic dysplasia 9 with or without polydactyly; Renal dysplasia, retinal pigmentary dystrophy, cerebellar ataxia and skeletal dysplasia. Identifiers: Orphanet 140969, MedGen C1849437, MONDO:0009964, OMIM 266920.

Allele frequency attached by ClinVar (database versions not stated): gnomAD exomes below 0.00001; TOPMed below 0.00001; gnomAD 0.00001.
gnomAD v4.1: 4 of 1,613,620 alleles (0.00025%); highest among the groups gnomAD compares: African/African-American, 0.0027%; no homozygotes.

Submission:

Labcorp Genetics (formerly Invitae), Labcorp
Classification: Uncertain significance for Saldino-Mainzer syndrome. Last evaluated: 2021-01-14. Review status: criteria provided, single submitter. Criteria: Invitae Variant Classification Sherloc (09022015). Collection method: clinical testing. Allele origin: germline.
Comment: This sequence change replaces glutamine with arginine at codon 378 of the IFT140 protein (p.Gln378Arg). The glutamine residue is weakly conserved and there is a small physicochemical difference between glutamine and arginine. In summary, the available evidence is currently insufficient to determine the role of this variant in disease. Therefore, it has been classified as a Variant of Uncertain Significance. Algorithms developed to predict the effect of missense changes on protein structure and function (SIFT, PolyPhen-2, Align-GVGD) all suggest that this variant is likely to be tolerated, but these predictions have not been confirmed by published functional studies and their clinical significance is uncertain. This variant has not been reported in the literature in individuals with IFT140-related conditions. This variant is not present in population databases (ExAC no frequency).

NM_014714.4(IFT140):c.1133A>G (p.Gln378Arg)

Genes: IFT140 (intraflagellar transport 140; minus strand), LOC105371046 (uncharacterized LOC105371046; plus strand). Cytogenetic location: 16p13.3.
Variant type: single nucleotide variant.
Coding change: c.1133A>G on transcript NM_014714.4 (MANE Select); coding-DNA position 1133, A replaced by G.
Protein change: p.Gln378Arg; replaces glutamine 378 with arginine.
Molecular consequence: missense variant.
Genome position (GRCh38, 1-based): chr16:1,586,152, T>C on the plus strand (A>G on the coding strand, the complement: IFT140 is on the minus strand). VCF-style: chr16-1586152-T-C. GRCh37 (hg19) VCF-style: chr16-1636153-T-C.
Other names: short protein forms Q378R.
Identifiers: ClinVar variation 947185 (VCV000947185.9), dbSNP rs1470456078, ClinGen allele CA394215746.